The following is an entry in ClinVar:

ClinVar aggregate classification (germline): Uncertain significance (1 of 4 stars; one submission).

Allele frequency attached by ClinVar (database versions not stated): gnomAD exomes below 0.00001.
gnomAD v4.1: 7 of 1,614,132 alleles (0.00043%); highest among the groups gnomAD compares: Non-Finnish European, 0.00059%; no homozygotes.

Submission:

Labcorp Genetics (formerly Invitae), Labcorp
Classification: Uncertain significance. Last evaluated: 2022-06-30. Review status: criteria provided, single submitter. Criteria: Invitae Variant Classification Sherloc (09022015). Collection method: clinical testing. Allele origin: germline.
Comment: In summary, the available evidence is currently insufficient to determine the role of this variant in disease. Therefore, it has been classified as a Variant of Uncertain Significance. Algorithms developed to predict the effect of missense changes on protein structure and function are either unavailable or do not agree on the potential impact of this missense change (SIFT: "Tolerated"; PolyPhen-2: "Probably Damaging"; Align-GVGD: "Class C15"). This variant has not been reported in the literature in individuals affected with EMC1-related conditions. This variant is not present in population databases (gnomAD no frequency). This sequence change replaces tyrosine, which is neutral and polar, with cysteine, which is neutral and slightly polar, at codon 817 of the EMC1 protein (p.Tyr817Cys).

NM_015047.3(EMC1):c.2450A>G (p.Tyr817Cys)

Genes: EMC1 (ER membrane protein complex subunit 1; minus strand), EMC1-AS1 (EMC1 antisense RNA 1; plus strand). Cytogenetic location: 1p36.13.
Variant type: single nucleotide variant.
Coding change: c.2450A>G on transcript NM_015047.3 (MANE Select); coding-DNA position 2450, A replaced by G.
Protein change: p.Tyr817Cys; replaces tyrosine 817 with cysteine.
Molecular consequence: missense variant.
Genome position (GRCh38, 1-based): chr1:19,222,761, T>C on the plus strand (A>G on the coding strand, the complement: EMC1 is on the minus strand). VCF-style: chr1-19222761-T-C. GRCh37 (hg19) VCF-style: chr1-19549255-T-C.
Other names: c.2447A>G, p.Tyr816Cys (NM_001271427.2, NM_001271428.2); c.2384A>G, p.Tyr795Cys (NM_001271429.2); c.2459A>G, p.Tyr820Cys (NM_001375820.1); c.2456A>G, p.Tyr819Cys (NM_001375821.1); short protein forms Y816C, Y795C, Y817C, Y819C, Y820C.
Identifiers: ClinVar variation 2013049 (VCV002013049.4), dbSNP rs746034148, ClinGen allele CA18810374.
Genomic context (GRCh38, chr1:19,222,761, plus strand): 5'-GACTGCTGGAGGACCTGGGGCAGCTGGGGGCGGTCCAGGGAGCTGAAGGCGGTGGCGTTG[T>C]ATTGCTCAGTGCCCTCATAGAGCTCCAGTACGGTAAACTCGTTGCGCCGAGCCTTGGTGT-3'
Protein context (NP_055862.1, residues 807-827): VLELYEGTEQ[Tyr817Cys]NATAFSSLDR